The following is an entry in ClinVar:

NM_001374736.1(DST):c.20760C>G (p.Phe6920Leu)

Gene: DST (dystonin; minus strand). Cytogenetic location: 6p12.1.
Variant type: single nucleotide variant.
Coding change: c.20760C>G on transcript NM_001374736.1 (MANE Select); coding-DNA position 20760, C replaced by G.
Protein change: p.Phe6920Leu; replaces phenylalanine 6920 with leucine.
Molecular consequence: missense variant.
Genome position (GRCh38, 1-based): chr6:56,489,607, G>C on the plus strand (C>G on the coding strand, the complement: DST is on the minus strand). VCF-style: chr6-56489607-G-C. GRCh37 (hg19) VCF-style: chr6-56354405-G-C.
Other names: c.14403C>G (NM_001144769.2); c.14403C>G, p.Phe4801Leu (NM_001144769.5); c.13989C>G, p.Phe4663Leu (NM_001144770.2); c.20760C>G, p.Phe6920Leu (NM_001374722.1); c.19800C>G, p.Phe6600Leu (NM_001374729.1); c.13542C>G, p.Phe4514Leu (NM_001374730.1); c.20787C>G, p.Phe6929Leu (NM_001374734.1); c.12891C>G, p.Phe4297Leu (NM_015548.5); and 1 more; short protein forms F6600L, F6920L, F4297L, F4623L, F4801L, F4514L, F4663L, F6929L.
Identifiers: ClinVar variation 967714 (VCV000967714.7), dbSNP rs374056754, ClinGen allele CA3866671.

ClinVar aggregate classification (germline): Conflicting classifications of pathogenicity. Review status: criteria provided, conflicting classifications (1 of 4 stars). 2 submissions from 2 submitters: Uncertain significance (1); Likely benign (1). Last evaluated 2025-10-02.

Conditions:
DST-related disorder. Also called: DST-related condition; DST-related disorders.
Epidermolysis bullosa simplex 3, localized or generalized intermediate, with BP230 deficiency (EBS3). Also called: Epidermolysis bullosa simplex, autosomal recessive 2; Epidermolysis bullosa simplex due to BP230 deficiency. Identifiers: Orphanet 412181, MedGen C3809470, MONDO:0014180, OMIM 615425.
Hereditary sensory and autonomic neuropathy type 6. Also called: HSAN VI; Neuropathy, hereditary sensory and autonomic, type VI. Identifiers: Orphanet 314381, MedGen C3539003, MONDO:0013839, OMIM 614653.

Allele frequency attached by ClinVar (database versions not stated): TOPMed 0.00004; gnomAD 0.00006 and 0.00003; ESP Exome Variant Server 0.00009; 1000 Genomes Project 0.00020; ExAC 0.00022; 1000 Genomes Project 30x 0.00031.
gnomAD v4.1: 143 of 1,606,786 alleles (0.0089%); highest among the groups gnomAD compares: South Asian, 0.15%; 2 homozygotes.

Submissions (2):

PreventionGenetics, part of Exact Sciences
Classification: Likely benign for DST-related condition. Last evaluated: 2025-10-02. Review status: criteria provided, single submitter. Criteria: ACMG Guidelines, 2015. Collection method: clinical testing. Allele origin: germline.
Comment: This variant is classified as likely benign based on ACMG/AMP sequence variant interpretation guidelines (Richards et al. 2015 PMID: 25741868, with internal and published modifications).

Labcorp Genetics (formerly Invitae), Labcorp
Classification: Uncertain significance for Epidermolysis bullosa simplex 3, localized or generalized intermediate, with BP230 deficiency; Hereditary sensory and autonomic neuropathy type 6. Last evaluated: 2023-03-24. Review status: criteria provided, single submitter. Criteria: Invitae Variant Classification Sherloc (09022015). Collection method: clinical testing. Allele origin: germline.
Comment: In summary, the available evidence is currently insufficient to determine the role of this variant in disease. Therefore, it has been classified as a Variant of Uncertain Significance. Experimental studies and prediction algorithms are not available or were not evaluated, and the functional significance of this variant is currently unknown. ClinVar contains an entry for this variant (Variation ID: 967714). This variant has not been reported in the literature in individuals affected with DST-related conditions. This variant is present in population databases (rs374056754, gnomAD 0.1%). This sequence change replaces phenylalanine, which is neutral and non-polar, with leucine, which is neutral and non-polar, at codon 4297 of the DST protein (p.Phe4297Leu). The DST gene has multiple clinically relevant transcripts. This variant occurs in alternate transcript NM_015548.4, and corresponds to NM_001723.5:c.*125910C>G in the primary transcript.